The following is an entry in ClinVar:

NM_001754.5(RUNX1):c.1218C>T (p.Tyr406=)

Gene: RUNX1 (RUNX family transcription factor 1; minus strand). Cytogenetic location: 21q22.12.
Variant type: single nucleotide variant.
Coding change: c.1218C>T on transcript NM_001754.5 (MANE Select); coding-DNA position 1218, C replaced by T.
Protein change: p.Tyr406=; no amino-acid change (tyrosine 406 retained).
Molecular consequence: synonymous variant.
Genome position (GRCh38, 1-based): chr21:34,792,360, G>A on the plus strand (C>T on the coding strand, the complement: RUNX1 is on the minus strand). VCF-style: chr21-34792360-G-A. GRCh37 (hg19) VCF-style: chr21-36164657-G-A.
Other names: NM_001754.5(RUNX1):c.1218C>T; p.Tyr406=; c.1137C>T, p.Tyr379= (NM_001001890.3); c.1218C>T (NM_001754.4).
Identifiers: ClinVar variation 1338110 (VCV001338110.8), dbSNP rs2056453805, ClinGen allele CA512341217.

ClinVar aggregate classification (germline): Likely benign. Review status: reviewed by expert panel (3 of 4 stars). 3 submissions from 3 submitters: Likely benign (1). 2 of the submissions do not count toward it. Last evaluated 2026-04-29.

Conditions:
Inborn genetic diseases. Identifiers: MedGen C0950123, MeSH D030342.
Hereditary thrombocytopenia and hematologic cancer predisposition syndrome. Identifiers: Orphanet 71290, MedGen CN281654, MONDO:0011071.

Allele frequency attached by ClinVar (database versions not stated): gnomAD exomes below 0.00001; TOPMed 0.00001.
gnomAD v4.1: 1 of 1,561,700 alleles (0.000064%); highest among the groups gnomAD compares: Non-Finnish European, 0.000087%; no homozygotes.

Submissions (3):

ClinGen Myeloid Malignancy Variant Curation Expert Panel
Classification: Likely benign for Hereditary thrombocytopenia and hematologic cancer predisposition syndrome. Last evaluated: 2026-04-29. Review status: reviewed by expert panel. Criteria: ClinGen MyeloMalig ACMG Specifications V3.1. Collection method: curation. Allele origin: germline. Inheritance: Autosomal dominant inheritance.
Comment: NM_001754.5(RUNX1):c.1218C>T (p.Tyr406=) is a synonymous variant which has a SpliceAI score ≤ 0.20 (0.0) (BP4, BP7). This variant has a MAF ≤ 0.00005 in gnomAD v4 across all subpopulations with at least 20x coverage for RUNX1 (PM2_supporting). In summary, this variant meets criteria to be classified as likely benign. ACMG/AMP criteria applied, as specified by the Myeloid Malignancy Variant Curation Expert Panel for RUNX1: BP4, BP7, PM2_supporting.

Ambry Genetics
Classification: Likely benign for Inborn genetic diseases. Last evaluated: 2025-03-18. Review status: criteria provided, single submitter. Criteria: Ambry Variant Classification Scheme 2023. Collection method: clinical testing. Allele origin: germline. Not counted in ClinVar's aggregate classification.

Genetic Services Laboratory, University of Chicago
Classification: Uncertain significance. Last evaluated: 2021-09-27. Review status: criteria provided, single submitter. Criteria: ACMG Guidelines, 2015. Collection method: clinical testing. Allele origin: germline. Affected: no. Not counted in ClinVar's aggregate classification.